The following is an entry in ClinVar:

ClinVar aggregate classification (germline): Uncertain significance (1 of 4 stars; one submission).

Conditions:
Developmental and epileptic encephalopathy, 23 (DEE23). Also called: Epileptic encephalopathy, early infantile, 23. Identifiers: Orphanet 411986, MedGen C4014492, MONDO:0014371, OMIM 615859.

Submission:

Labcorp Genetics (formerly Invitae), Labcorp
Classification: Uncertain significance for Developmental and epileptic encephalopathy, 23. Last evaluated: 2022-03-25. Review status: criteria provided, single submitter. Criteria: Invitae Variant Classification Sherloc (09022015). Collection method: clinical testing. Allele origin: germline.
Comment: In summary, the available evidence is currently insufficient to determine the role of this variant in disease. Therefore, it has been classified as a Variant of Uncertain Significance. Algorithms developed to predict the effect of sequence changes on RNA splicing suggest that this variant is not likely to affect RNA splicing. This variant has not been reported in the literature in individuals affected with DOCK7-related conditions. This variant is not present in population databases (gnomAD no frequency). This sequence change affects codon 173 of the DOCK7 mRNA. It is a 'silent' change, meaning that it does not change the encoded amino acid sequence of the DOCK7 protein. It affects a nucleotide within the consensus splice site.

NM_001367561.1(DOCK7):c.519A>G (p.Gln173=)

Gene: DOCK7 (dedicator of cytokinesis 7; minus strand). Cytogenetic location: 1p31.3.
Variant type: single nucleotide variant.
Coding change: c.519A>G on transcript NM_001367561.1 (MANE Select); coding-DNA position 519, A replaced by G.
Protein change: p.Gln173=; no amino-acid change (glutamine 173 retained).
Molecular consequence: synonymous variant.
Genome position (GRCh38, 1-based): chr1:62,648,415, T>C on the plus strand (A>G on the coding strand, the complement: DOCK7 is on the minus strand). VCF-style: chr1-62648415-T-C. GRCh37 (hg19) VCF-style: chr1-63114086-T-C.
Other names: c.519A>G, p.Gln173= (NM_001271999.2, NM_001272000.2, NM_001272001.2 and 3 more transcripts).
Identifiers: ClinVar variation 2172107 (VCV002172107.4), dbSNP rs1656939651, ClinGen allele CA418008969.